The following is an entry in ClinVar:

ClinVar aggregate classification (germline): Conflicting classifications of pathogenicity. Review status: criteria provided, conflicting classifications (1 of 4 stars). 2 submissions from 2 submitters: Uncertain significance (1); Likely benign (1). Last evaluated 2026-08-03.

Conditions:
Hereditary cancer-predisposing syndrome. Also called: Neoplastic Syndromes, Hereditary; Hereditary Cancer Syndrome; Hereditary neoplastic syndrome; Tumor predisposition. Identifiers: Orphanet 140162, MedGen C0027672, MeSH D009386, MONDO:0015356.
Renal cell carcinoma. Identifiers: Orphanet 217071, MedGen C0007134, MeSH D002292, MONDO:0005086, HP:0005584.

Submissions (2):

Ambry Genetics
Classification: Likely benign for Hereditary cancer-predisposing syndrome. Last evaluated: 2026-08-03. Review status: criteria provided, single submitter. Criteria: Ambry Variant Classification Scheme 2023. Collection method: clinical testing. Allele origin: germline.

Labcorp Genetics (formerly Invitae), Labcorp
Classification: Uncertain significance for Renal cell carcinoma. Last evaluated: 2024-10-24. Review status: criteria provided, single submitter. Criteria: Invitae Variant Classification Sherloc (09022015). Collection method: clinical testing. Allele origin: germline.
Comment: This sequence change replaces threonine, which is neutral and polar, with isoleucine, which is neutral and non-polar, at codon 557 of the MET protein (p.Thr557Ile). This variant is not present in population databases (gnomAD no frequency). This variant has not been reported in the literature in individuals affected with MET-related conditions. ClinVar contains an entry for this variant (Variation ID: 639982). Invitae Evidence Modeling of protein sequence and biophysical properties (such as structural, functional, and spatial information, amino acid conservation, physicochemical variation, residue mobility, and thermodynamic stability) indicates that this missense variant is not expected to disrupt MET protein function with a negative predictive value of 80%. In summary, the available evidence is currently insufficient to determine the role of this variant in disease. Therefore, it has been classified as a Variant of Uncertain Significance.

NM_000245.4(MET):c.1670C>T (p.Thr557Ile)

Gene: MET (MET proto-oncogene, receptor tyrosine kinase; plus strand). Cytogenetic location: 7q31.2.
Variant type: single nucleotide variant.
Coding change: c.1670C>T on transcript NM_000245.4 (MANE Select); coding-DNA position 1670, C replaced by T.
Protein change: p.Thr557Ile; replaces threonine 557 with isoleucine.
Molecular consequence: missense variant.
Genome position (GRCh38, 1-based): chr7:116,740,994, C>T. VCF-style: chr7-116740994-C-T. GRCh37 (hg19) VCF-style: chr7-116381048-C-T.
Other names: c.1670C>T, p.Thr557Ile (NM_001127500.3, NM_001324401.3); c.380C>T, p.Thr127Ile (NM_001324402.2); short protein forms T127I, T557I.
Identifiers: ClinVar variation 639982 (VCV000639982.12), dbSNP rs1584923423, ClinGen allele CA368975772.
Genomic context (GRCh38, chr7:116,740,994, plus strand): 5'-AGTGTGGCTGGTGCCACGACAAATGTGTGCGATCGGAGGAATGCCTGAGCGGGACATGGA[C>T]TCAACAGATCTGTCTGCCTGCAATCTACAAGGTAGGAATCTCTAACAGCTGGCATACATG-3'
Protein context (NP_000236.2, residues 547-567): RSEECLSGTW[Thr557Ile]QQICLPAIYK